The following is an entry in ClinVar:

ClinVar aggregate classification (germline): Pathogenic (1 of 4 stars; one submission).

Submission:

Labcorp Genetics (formerly Invitae), Labcorp
Classification: Pathogenic. Last evaluated: 2022-02-20. Review status: criteria provided, single submitter. Criteria: Invitae Variant Classification Sherloc (09022015). Collection method: clinical testing. Allele origin: germline.
Comment: This sequence change creates a premature translational stop signal (p.Cys4078*) in the FAT4 gene. It is expected to result in an absent or disrupted protein product. Loss-of-function variants in FAT4 are known to be pathogenic (PMID: 24056717, 24913602). This variant is not present in population databases (gnomAD no frequency). This variant has not been reported in the literature in individuals affected with FAT4-related conditions. For these reasons, this variant has been classified as Pathogenic.

Literature cited by the submitters: PubMed 24056717; PubMed 24913602.

NM_001291303.3(FAT4):c.12240_12244del (p.Cys4080_Glu4082delinsTer)

Gene: FAT4 (FAT atypical cadherin 4; plus strand). Cytogenetic location: 4q28.1.
Variant type: Deletion.
Coding change: c.12240_12244del on transcript NM_001291303.3 (MANE Select); coding-DNA positions 12240 to 12244, 5 bases deleted (TTCTG; older notation c.12240_12244delTTCTG).
Protein change: p.Cys4080_Glu4082delinsTer.
Molecular consequence: nonsense.
Genome position (GRCh38, 1-based): chr4:125,476,197-125,476,201, TTCTG deleted; deleting any 5 consecutive bases within chr4:125,476,194-125,476,201 gives the same sequence; the c. name uses the placement nearest the transcript's 3' end. VCF-style (leftmost placement, unchanged base first): chr4-125476193-CCTGTT-C. GRCh37 (hg19) VCF-style: chr4-126397348-CCTGTT-C.
Other names: c.12240_12244del, p.Cys4080_Glu4082delinsTer (NM_001291285.3); c.12234_12238del, p.Cys4078_Glu4080delinsTer (NM_024582.6).
Identifiers: ClinVar variation 2100536 (VCV002100536.4), dbSNP rs2531000854, ClinGen allele CA2580071504.